The following is an entry in ClinVar:

NM_001254.4(CDC6):c.448_451del (p.Phe150fs)

Gene: CDC6 (cell division cycle 6; plus strand). Cytogenetic location: 17q21.2.
Variant type: Deletion.
Coding change: c.448_451del on transcript NM_001254.4 (MANE Select); coding-DNA positions 448 to 451, 4 bases deleted (TTCA; older notation c.448_451delTTCA).
Protein change: p.Phe150fs; shifts the reading frame from phenylalanine 150.
Molecular consequence: frameshift variant.
Genome position (GRCh38, 1-based): chr17:40,291,327-40,291,330, TTCA deleted; deleting any 4 consecutive bases within chr17:40,291,326-40,291,330 gives the same sequence; the c. name uses the placement nearest the transcript's 3' end. VCF-style (leftmost placement, unchanged base first): chr17-40291325-TATTC-T. GRCh37 (hg19) VCF-style: chr17-38447577-TATTC-T.
Other names: short protein forms F150fs.
Identifiers: ClinVar variation 3643156 (VCV003643156.2).

ClinVar aggregate classification (germline): Uncertain significance (1 of 4 stars; one submission).

Submission:

Labcorp Genetics (formerly Invitae), Labcorp
Classification: Uncertain significance. Last evaluated: 2024-02-29. Review status: criteria provided, single submitter. Criteria: Invitae Variant Classification Sherloc (09022015). Collection method: clinical testing. Allele origin: germline.
Comment: This sequence change creates a premature translational stop signal (p.Phe150Serfs*14) in the CDC6 gene. It is expected to result in an absent or disrupted protein product. However, the current clinical and genetic evidence is not sufficient to establish whether loss-of-function variants in CDC6 cause disease. This variant is not present in population databases (gnomAD no frequency). This variant has not been reported in the literature in individuals affected with CDC6-related conditions. In summary, the available evidence is currently insufficient to determine the role of this variant in disease. Therefore, it has been classified as a Variant of Uncertain Significance.